The following is an entry in ClinVar:

ClinVar aggregate classification (germline): Uncertain significance (1 of 4 stars; one submission).

Conditions:
Spastic paraplegia. Identifiers: MedGen C0037772, HP:0001258.

Allele frequency attached by ClinVar (database versions not stated): TOPMed below 0.00001; gnomAD 0.00001.
gnomAD v4.1: 7 of 1,598,232 alleles (0.00044%); highest among the groups gnomAD compares: African/African-American, 0.0013%; no homozygotes.

Submission:

Labcorp Genetics (formerly Invitae), Labcorp
Classification: Uncertain significance for Spastic paraplegia. Last evaluated: 2022-05-04. Review status: criteria provided, single submitter. Criteria: Invitae Variant Classification Sherloc (09022015). Collection method: clinical testing. Allele origin: germline.
Comment: Algorithms developed to predict the effect of missense changes on protein structure and function are either unavailable or do not agree on the potential impact of this missense change (SIFT: "Deleterious"; PolyPhen-2: "Probably Damaging"; Align-GVGD: "Class C0"). This variant has not been reported in the literature in individuals affected with AP4E1-related conditions. This variant is present in population databases (no rsID available, gnomAD 0.005%). This sequence change replaces leucine, which is neutral and non-polar, with valine, which is neutral and non-polar, at codon 9 of the AP4E1 protein (p.Leu9Val). In summary, the available evidence is currently insufficient to determine the role of this variant in disease. Therefore, it has been classified as a Variant of Uncertain Significance.

NM_007347.5(AP4E1):c.25C>G (p.Leu9Val)

Gene: AP4E1 (adaptor related protein complex 4 subunit epsilon 1; plus strand). Cytogenetic location: 15q21.2.
Variant type: single nucleotide variant.
Coding change: c.25C>G on transcript NM_007347.5 (MANE Select); coding-DNA position 25, C replaced by G.
Protein change: p.Leu9Val; replaces leucine 9 with valine.
Molecular consequence: missense variant. On other transcripts: 5 prime UTR variant (1).
Genome position (GRCh38, 1-based): chr15:50,908,803, C>G. VCF-style: chr15-50908803-C-G. GRCh37 (hg19) VCF-style: chr15-51201000-C-G.
Other names: c.-224C>G (NM_001252127.2); short protein forms L9V.
Identifiers: ClinVar variation 1937057 (VCV001937057.5), dbSNP rs1406345886, ClinGen allele CA392410289.
Genomic context (GRCh38, chr15:50,908,803, plus strand): 5'-TCGCGGGCGGCGGCGGCATCGCGGGCGGCGGCGGCGATGAGCGACATAGTGGAGAAGACG[C>G]TGACGGCGCTGCCGGGACTCTTTCTGCAGAACCAGCCCGGTGGTGGGCCCGCGGCCGCCA-3'
Protein context (NP_031373.2, residues 1-19): MSDIVEKT[Leu9Val]TALPGLFLQN